The following is an entry in ClinVar:

ClinVar aggregate classification (germline): Likely pathogenic (1 of 4 stars; one submission).

gnomAD v4.1: 2 of 1,591,626 alleles (0.00013%); highest among the groups gnomAD compares: Non-Finnish European, 0.00017%; no homozygotes.

Submission:

Dasa
Classification: Likely pathogenic. Last evaluated: 2025-01-28. Review status: criteria provided, single submitter. Criteria: DASA Assertion Criteria. Collection method: clinical testing. Allele origin: germline.
Comment: NM_001163435.3(TBCK):c.659-2A>C affects a canonical splice site and is predicted to disrupt normal RNA splicing. Loss of function is an established disease mechanism for TBCK-associated disorders. Also, this variant is rare in population databases. Based on the currently available evidence, this variant is classified as likely pathogenic.

NM_001163435.3(TBCK):c.659-2A>C

Gene: TBCK (TBC1 domain containing kinase; minus strand). Cytogenetic location: 4q24.
Variant type: single nucleotide variant.
Coding change: c.659-2A>C on transcript NM_001163435.3 (MANE Select); the canonical splice acceptor site of the intron before coding-DNA position 659, A replaced by C.
Molecular consequence: splice acceptor variant.
Genome position (GRCh38, 1-based): chr4:106,248,984, T>G on the plus strand (A>C on the coding strand, the complement: TBCK is on the minus strand). VCF-style: chr4-106248984-T-G. GRCh37 (hg19) VCF-style: chr4-107170141-T-G.
Other names: c.659-2A>C (NM_001163436.4); c.470-2A>C (NM_033115.5); c.542-2A>C (NM_001163437.3); c.143-2A>C (NM_001290768.2).
Identifiers: ClinVar variation 4880602 (VCV004880602.2).
Genomic context (GRCh38, chr4:106,248,984, plus strand): 5'-TATAATGTCCAAACAACCATGCTCTTCAGCCAGAACTATTAAAGTGTCATCTACACAATC[T>G]ATAAAACAGAAAAACTATATGAATAAATGCTATTTTTCTAATCTGTCCAACAAACCAGAA-3'